The following is an entry in ClinVar:

ClinVar aggregate classification (germline): Uncertain significance (1 of 4 stars; one submission).

Conditions:
Hereditary cancer-predisposing syndrome. Also called: Hereditary Cancer Syndrome; Hereditary neoplastic syndrome; Neoplastic Syndromes, Hereditary; Tumor predisposition. Identifiers: Orphanet 140162, MedGen C0027672, MeSH D009386, MONDO:0015356.

Submission:

Ambry Genetics
Classification: Uncertain significance for Hereditary cancer-predisposing syndrome. Last evaluated: 2020-02-07. Review status: criteria provided, single submitter. Criteria: Ambry Variant Classification Scheme 2023. Collection method: clinical testing. Allele origin: germline.
Comment: The p.V154F variant (also known as c.460G>T), located in coding exon 4 of the BARD1 gene, results from a G to T substitution at nucleotide position 460. The valine at codon 154 is replaced by phenylalanine, an amino acid with highly similar properties. This amino acid position is well conserved in available vertebrate species. In addition, this alteration is predicted to be tolerated by in silico analysis. Since supporting evidence is limited at this time, the clinical significance of this alteration remains unclear.

NM_000465.4(BARD1):c.460G>T (p.Val154Phe)

Gene: BARD1 (BRCA1 associated RING domain 1; minus strand). Cytogenetic location: 2q35.
Variant type: single nucleotide variant.
Coding change: c.460G>T on transcript NM_000465.4 (MANE Select); coding-DNA position 460, G replaced by T.
Protein change: p.Val154Phe; replaces valine 154 with phenylalanine.
Molecular consequence: missense variant. On other transcripts: non-coding transcript variant (2), intron variant (3).
Genome position (GRCh38, 1-based): chr2:214,781,414, C>A on the plus strand (G>T on the coding strand, the complement: BARD1 is on the minus strand). VCF-style: chr2-214781414-C-A. GRCh37 (hg19) VCF-style: chr2-215646138-C-A.
Other names: c.403G>T, p.Val135Phe (NM_001282543.2); c.158+27998G>T (NM_001282548.2); c.215+15647G>T (NM_001282545.2); c.364+10883G>T (NM_001282549.2); short protein forms V154F, V135F.
Identifiers: ClinVar variation 1741886 (VCV001741886.2), dbSNP rs2469513158, ClinGen allele CA350457650.